The following is an entry in ClinVar:

ClinVar aggregate classification (germline): Uncertain significance (1 of 4 stars; one submission).

Submission:

GeneDx
Classification: Uncertain significance. Last evaluated: 2024-06-28. Review status: criteria provided, single submitter. Criteria: GeneDx Variant Classification Process June 2021. Collection method: clinical testing. Allele origin: germline. Affected: yes.
Comment: Not observed at significant frequency in large population cohorts (gnomAD); In silico analysis indicates that this missense variant does not alter protein structure/function; Has not been previously published as pathogenic or benign to our knowledge

NM_144498.4(OSBPL2):c.109G>A (p.Asp37Asn)

Gene: OSBPL2 (oxysterol binding protein like 2; plus strand). Cytogenetic location: 20q13.33.
Variant type: single nucleotide variant.
Coding change: c.109G>A on transcript NM_144498.4 (MANE Select); coding-DNA position 109, G replaced by A.
Protein change: p.Asp37Asn; replaces aspartic acid 37 with asparagine.
Molecular consequence: missense variant. On other transcripts: 5 prime UTR variant (1), intron variant (1).
Genome position (GRCh38, 1-based): chr20:62,260,052, G>A. VCF-style: chr20-62260052-G-A. GRCh37 (hg19) VCF-style: chr20-60835108-G-A.
Other names: c.-258G>A (NM_001363878.2); c.73G>A, p.Asp25Asn (NM_014835.5); c.-184-3564G>A (NM_001278649.3); short protein forms D25N, D37N.
Identifiers: ClinVar variation 3392792 (VCV003392792.1).